The following is an entry in ClinVar:

NM_001267550.2(TTN):c.21479T>A (p.Ile7160Asn)

Gene: TTN (titin; minus strand). Cytogenetic location: 2q31.2.
Variant type: single nucleotide variant.
Coding change: c.21479T>A on transcript NM_001267550.2 (MANE Select); coding-DNA position 21479, T replaced by A.
Protein change: p.Ile7160Asn; replaces isoleucine 7160 with asparagine.
Molecular consequence: missense variant. On other transcripts: intron variant (3).
Genome position (GRCh38, 1-based): chr2:178,723,621, A>T on the plus strand (T>A on the coding strand, the complement: TTN is on the minus strand). VCF-style: chr2-178723621-A-T. GRCh37 (hg19) VCF-style: chr2-179588348-A-T.
Other names: p.Ile6843Asn; c.20528T>A, p.Ile6843Asn (NM_001256850.1); c.17747T>A, p.Ile5916Asn (NM_133378.4); c.13282+14461T>A (NM_003319.4); c.13858+14461T>A (NM_133437.4); c.13657+14461T>A (NM_133432.3); short protein forms I5916N, I6843N, I7160N.
Identifiers: ClinVar variation 2682786 (VCV002682786.1), dbSNP rs2529570236, ClinGen allele CA349534450.
Genomic context (GRCh38, chr2:178,723,621, plus strand): 5'-CCTTTCACTAGTTCTCTGGCACCTCTGAACCAGTTGACTTTGAATGGAGGGGTTCCTCTA[A>T]TAACGCTTGTGAAGGTTACATTTTTGCCTGGTAGTACTTCCAAAGGTTCAGGTTCTTTCA-3'
Protein context (NP_001254479.2, residues 7150-7170): PGKNVTFTSV[Ile7160Asn]RGTPPFKVNW

ClinVar aggregate classification (germline): Uncertain significance (1 of 4 stars; one submission).

Submission:

Mayo Clinic Laboratories, Mayo Clinic
Classification: Uncertain significance. Last evaluated: 2022-08-23. Review status: criteria provided, single submitter. Criteria: ACMG Guidelines, 2015. Collection method: clinical testing. Allele origin: germline. Observed: 1 variant allele.
Comment: PM2_supporting